The following is an entry in ClinVar:

NM_001375524.1(TRRAP):c.1169T>C (p.Leu390Pro)

Gene: TRRAP (transformation/transcription domain associated protein; plus strand). Cytogenetic location: 7q22.1.
Variant type: single nucleotide variant.
Coding change: c.1169T>C on transcript NM_001375524.1 (MANE Select); coding-DNA position 1169, T replaced by C.
Protein change: p.Leu390Pro; replaces leucine 390 with proline.
Molecular consequence: missense variant.
Genome position (GRCh38, 1-based): chr7:98,908,781, T>C. VCF-style: chr7-98908781-T-C. GRCh37 (hg19) VCF-style: chr7-98506404-T-C.
Other names: c.1169T>C, p.Leu390Pro (NM_001244580.2, NM_003496.4); short protein forms L390P.
Identifiers: ClinVar variation 2505013 (VCV002505013.1), dbSNP rs2484707542, ClinGen allele CA368283699.

ClinVar aggregate classification (germline): Uncertain significance (1 of 4 stars; one submission).

Submission:

GeneDx
Classification: Uncertain significance. Last evaluated: 2022-12-08. Review status: criteria provided, single submitter. Criteria: GeneDx Variant Classification Process June 2021. Collection method: clinical testing. Allele origin: germline. Affected: yes.
Comment: Not observed at significant frequency in large population cohorts (gnomAD); In silico analysis supports that this missense variant has a deleterious effect on protein structure/function; Has not been previously published as pathogenic or benign to our knowledge